The following is an entry in ClinVar:

ClinVar aggregate classification (germline): Pathogenic (1 of 4 stars; one submission).

Allele frequency attached by ClinVar (database versions not stated): TOPMed 0.00001.

Submission:

Labcorp Genetics (formerly Invitae), Labcorp
Classification: Pathogenic. Last evaluated: 2024-01-05. Review status: criteria provided, single submitter. Criteria: Invitae Variant Classification Sherloc (09022015). Collection method: clinical testing. Allele origin: germline.
Comment: This sequence change creates a premature translational stop signal (p.Trp394*) in the ALOXE3 gene. It is expected to result in an absent or disrupted protein product. Loss-of-function variants in ALOXE3 are known to be pathogenic (PMID: 11773004, 19890349, 27025581). This variant is not present in population databases (gnomAD no frequency). This variant has not been reported in the literature in individuals affected with ALOXE3-related conditions. For these reasons, this variant has been classified as Pathogenic.

Literature cited by the submitters: PubMed 11773004; PubMed 19890349; PubMed 27025581.

NM_021628.3(ALOXE3):c.1181G>A (p.Trp394Ter)

Genes: ALOXE3 (arachidonate epidermal lipoxygenase 3; minus strand), LOC130060198 (ATAC-STARR-seq lymphoblastoid silent region 8151; plus strand). Cytogenetic location: 17p13.1.
Variant type: single nucleotide variant.
Coding change: c.1181G>A on transcript NM_021628.3 (MANE Select); coding-DNA position 1181, G replaced by A.
Protein change: p.Trp394Ter; replaces tryptophan 394 with a stop codon.
Molecular consequence: nonsense.
Genome position (GRCh38, 1-based): chr17:8,110,216, C>T on the plus strand (G>A on the coding strand, the complement: ALOXE3 is on the minus strand). VCF-style: chr17-8110216-C-T. GRCh37 (hg19) VCF-style: chr17-8013534-C-T.
Other names: c.1577G>A, p.Trp526Ter (NM_001165960.1); c.1178G>A, p.Trp393Ter (NM_001369446.1); short protein forms W394*, W526*, W393*.
Identifiers: ClinVar variation 2707692 (VCV002707692.3), dbSNP rs1021065870, ClinGen allele CA287525616.